The following is an entry in ClinVar:

NM_001127644.2(GABRA1):c.560-261A>G

Gene: GABRA1 (gamma-aminobutyric acid type A receptor subunit alpha1; plus strand). Cytogenetic location: 5q34.
Variant type: single nucleotide variant.
Coding change: c.560-261A>G on transcript NM_001127644.2 (MANE Select); 261 bases into the intron before coding-DNA position 560, A replaced by G.
Molecular consequence: intron variant.
Genome position (GRCh38, 1-based): chr5:161,882,297, A>G. VCF-style: chr5-161882297-A-G. GRCh37 (hg19) VCF-style: chr5-161309303-A-G.
Other names: c.560-261A>G (NM_000806.5, NM_001127643.2, NM_001127645.2 and 1 more transcripts).
Identifiers: ClinVar variation 668790 (VCV000668790.1), dbSNP rs4921199, ClinGen allele CA15365441.

ClinVar aggregate classification (germline): Benign (1 of 4 stars; one submission).

Allele frequency attached by ClinVar (database versions not stated): gnomAD exomes 0.44611; gnomAD 0.44621 and 0.45015; TOPMed 0.44996; 1000 Genomes Project 30x 0.48985; 1000 Genomes Project 0.49421.
gnomAD v4.1: 226,251 of 505,766 alleles (45%); highest among the groups gnomAD compares: East Asian, 62%; 52,553 homozygotes.

Submission:

GeneDx
Classification: Benign. Last evaluated: 2018-06-19. Review status: criteria provided, single submitter. Criteria: GeneDx Variant Classification (06012015). Collection method: clinical testing. Allele origin: germline. Affected: yes.
Comment: This variant is considered likely benign or benign based on one or more of the following criteria: it is a conservative change, it occurs at a poorly conserved position in the protein, it is predicted to be benign by multiple in silico algorithms, and/or has population frequency not consistent with disease.